The following is an entry in ClinVar:

NC_000011.10:g.8039655A>G

Gene: TUB (TUB bipartite transcription factor; plus strand). Cytogenetic location: 11p15.4.
Variant type: single nucleotide variant.
Molecular consequence: missense variant (on NM_003320.5). On other transcripts: intron variant (4).
Genome position: GRCh38 VCF-style: chr11-8039655-A-G. GRCh37 (hg19) VCF-style: chr11-8061202-A-G.
Other names: c.166A>G, p.Arg56Gly (NM_003320.5); c.56+20297A>G (NM_001440538.1, NM_001440539.1, NM_001440540.1 and 1 more transcripts); short protein forms R56G.
Identifiers: ClinVar variation 1433691 (VCV001433691.9), dbSNP rs200317345, ClinGen allele CA5870852.

ClinVar aggregate classification (germline): Uncertain significance. Review status: criteria provided, multiple submitters, no conflicts (2 of 4 stars). 2 submissions from 2 submitters: Uncertain significance (2). Last evaluated 2022-07-11.

Allele frequency attached by ClinVar (database versions not stated): gnomAD exomes below 0.00001; 1000 Genomes Project 30x 0.00031; gnomAD 0.00001 and 0.00002; ExAC 0.00003; 1000 Genomes Project 0.00020; TOPMed 0.00001.

Submissions (2):

Labcorp Genetics (formerly Invitae), Labcorp
Classification: Uncertain significance. Last evaluated: 2022-07-11. Review status: criteria provided, single submitter. Criteria: Invitae Variant Classification Sherloc (09022015). Collection method: clinical testing. Allele origin: germline.
Comment: Algorithms developed to predict the effect of missense changes on protein structure and function are either unavailable or do not agree on the potential impact of this missense change (SIFT: "Tolerated"; PolyPhen-2: "Possibly Damaging"; Align-GVGD: "Class C0"). In summary, the available evidence is currently insufficient to determine the role of this variant in disease. Therefore, it has been classified as a Variant of Uncertain Significance. ClinVar contains an entry for this variant (Variation ID: 1433691). This variant has not been reported in the literature in individuals affected with TUB-related conditions. The frequency data for this variant in the population databases is considered unreliable, as metrics indicate poor data quality at this position in the gnomAD database. This sequence change replaces arginine, which is basic and polar, with glycine, which is neutral and non-polar, at codon 56 of the TUB protein (p.Arg56Gly).

Blueprint Genetics
Classification: Uncertain significance. Last evaluated: 2021-01-22. Review status: criteria provided, single submitter. Criteria: ACMG Guidelines, 2015. Collection method: clinical testing. Allele origin: germline.